The following is an entry in ClinVar:

ClinVar aggregate classification (germline): Benign (3 of 4 stars; one submission).

Conditions:
Breast-ovarian cancer, familial, susceptibility to, 1 (BROVCA1). Also called: BRCA1 Hereditary Breast and Ovarian Cancer; OVARIAN CANCER, SUSCEPTIBILITY TO. Identifiers: Orphanet 145, MedGen C2676676, MONDO:0011450, OMIM 604370. Disease mechanism: loss of function.

Allele frequency attached by ClinVar (database versions not stated): 1000 Genomes Project 0.02416; gnomAD 0.02424 and 0.02264; TOPMed 0.02510; 1000 Genomes Project 30x 0.02405.
gnomAD v4.1: 3,397 of 152,214 alleles (2.2%); highest among the groups gnomAD compares: African/African-American, 7.9%; 140 homozygotes.

Submission:

Evidence-based Network for the Interpretation of Germline Mutant Alleles (ENIGMA)
Classification: Benign for Breast-ovarian cancer, familial 1. Last evaluated: 2015-01-12. Review status: reviewed by expert panel. Criteria: ENIGMA BRCA1/2 Classification Criteria (2015). Collection method: curation. Allele origin: germline.
Comment: Class 1 not pathogenic based on frequency >1% in an outbred sampleset. Frequency 0.08943 (African), derived from 1000 genomes (2012-04-30).

NM_007294.4(BRCA1):c.81-2439C>T

Gene: BRCA1 (BRCA1 DNA repair associated; minus strand). Cytogenetic location: 17q21.31.
Variant type: single nucleotide variant.
Coding change: c.81-2439C>T on transcript NM_007294.4 (MANE Select); 2439 bases into the intron before coding-DNA position 81, C replaced by T.
Molecular consequence: intron variant.
Genome position (GRCh38, 1-based): chr17:43,118,218, G>A on the plus strand (C>T on the coding strand, the complement: BRCA1 is on the minus strand). VCF-style: chr17-43118218-G-A. GRCh37 (hg19) VCF-style: chr17-41270235-G-A.
Other names: IVS 2-2439C>T; c.-61-2439C>T (NM_001408458.1, NM_001408470.1, NM_001407848.1 and 44 more transcripts); c.-219+7059C>T (NM_001407967.1); c.-170+7059C>T (NM_001407959.1); c.-8+7059C>T (NM_001407931.1, NM_001407747.1); c.-223-2439C>T (NM_001407962.1, NM_001408512.1, NM_001408510.1 and 1 more transcripts); c.-108-2439C>T (NM_001407885.1, NM_001407886.1, NM_001408509.1 and 51 more transcripts); c.-177-2439C>T (NM_001407746.1, NM_001408468.1, NM_001407842.1 and 12 more transcripts); and 15 more.
Identifiers: ClinVar variation 209546 (VCV000209546.2), dbSNP rs149469770, ClinGen allele CA276515.